The following is an entry in ClinVar:

NM_005090.4(JMJD7-PLA2G4B):c.2315T>G (p.Leu772Arg)

Genes: JMJD7-PLA2G4B (JMJD7-PLA2G4B readthrough; plus strand), PLA2G4B (phospholipase A2 group IVB; plus strand). Cytogenetic location: 15q15.1.
Variant type: single nucleotide variant.
Coding change: c.2315T>G on transcript NM_005090.4; coding-DNA position 2315, T replaced by G.
Protein change: p.Leu772Arg; replaces leucine 772 with arginine.
Molecular consequence: missense variant.
Genome position (GRCh38, 1-based): chr15:41,846,224, T>G. VCF-style: chr15-41846224-T-G. GRCh37 (hg19) VCF-style: chr15-42138422-T-G.
Other names: c.1622T>G, p.Leu541Arg (NM_001114633.2); c.2315T>G, p.Leu772Arg (NM_001198588.2); short protein forms L541R, L772R.
Identifiers: ClinVar variation 3046275 (VCV003046275.2), dbSNP rs138803580, ClinGen allele CA7500195.
Genomic context (GRCh38, chr15:41,846,224, plus strand): 5'-GGTGCAGGAGTCCCCATTTCCCCCACCTTGCCTGTGTAGACAAGGAGCAGGTCCCCCTTC[T>G]GAAGATAGAAGAACCACCCTCAACAGCCGGCAGGATAGCTGAGTTTTTCACCGATCTTCT-3'

ClinVar aggregate classification (germline): Likely benign (0 of 4 stars; one submission).

Conditions:
JMJD7-PLA2G4B-related disorder. Also called: JMJD7-PLA2G4B-related condition.

Allele frequency attached by ClinVar (database versions not stated): ExAC 0.00099; 1000 Genomes Project 30x 0.00109; 1000 Genomes Project 0.00120; gnomAD 0.00181; ESP Exome Variant Server 0.00185; TOPMed 0.00199.
gnomAD v4.1: 2,023 of 1,614,012 alleles (0.13%); highest among the groups gnomAD compares: Middle Eastern, 0.54%; 6 homozygotes.

Submission:

PreventionGenetics, part of Exact Sciences
Classification: Likely benign for JMJD7-PLA2G4B-related condition. Last evaluated: 2022-06-06. Review status: no assertion criteria provided. Collection method: clinical testing. Allele origin: germline.
Comment: This variant is classified as likely benign based on ACMG/AMP sequence variant interpretation guidelines (Richards et al. 2015 PMID: 25741868, with internal and published modifications).